The following is an entry in ClinVar:

ClinVar aggregate classification (germline): Uncertain significance (1 of 4 stars; one submission).

gnomAD v4.1: 10 of 1,614,010 alleles (0.00062%); highest among the groups gnomAD compares: East Asian, 0.0045%; no homozygotes.

Submission:

Labcorp Genetics (formerly Invitae), Labcorp
Classification: Uncertain significance. Last evaluated: 2024-10-02. Review status: criteria provided, single submitter. Criteria: Invitae Variant Classification Sherloc (09022015). Collection method: clinical testing. Allele origin: germline.
Comment: This sequence change replaces glutamic acid, which is acidic and polar, with lysine, which is basic and polar, at codon 299 of the TBX6 protein (p.Glu299Lys). This variant is present in population databases (rs767626930, gnomAD 0.006%). This variant has not been reported in the literature in individuals affected with TBX6-related conditions. Invitae Evidence Modeling of protein sequence and biophysical properties (such as structural, functional, and spatial information, amino acid conservation, physicochemical variation, residue mobility, and thermodynamic stability) indicates that this missense variant is not expected to disrupt TBX6 protein function with a negative predictive value of 80%. In summary, the available evidence is currently insufficient to determine the role of this variant in disease. Therefore, it has been classified as a Variant of Uncertain Significance.

NM_004608.4(TBX6):c.895G>A (p.Glu299Lys)

Gene: TBX6 (T-box transcription factor 6; minus strand). Cytogenetic location: 16p11.2.
Variant type: single nucleotide variant.
Coding change: c.895G>A on transcript NM_004608.4 (MANE Select); coding-DNA position 895, G replaced by A.
Protein change: p.Glu299Lys; replaces glutamic acid 299 with lysine.
Molecular consequence: missense variant.
Genome position (GRCh38, 1-based): chr16:30,086,796, C>T on the plus strand (G>A on the coding strand, the complement: TBX6 is on the minus strand). VCF-style: chr16-30086796-C-T. GRCh37 (hg19) VCF-style: chr16-30098117-C-T.
Other names: short protein forms E299K.
Identifiers: ClinVar variation 3651461 (VCV003651461.2).